The following is an entry in ClinVar:

NM_001039.4(SCNN1G):c.148C>G (p.Arg50Gly)

Gene: SCNN1G (sodium channel epithelial 1 subunit gamma; plus strand). Cytogenetic location: 16p12.2.
Variant type: single nucleotide variant.
Coding change: c.148C>G on transcript NM_001039.4 (MANE Select); coding-DNA position 148, C replaced by G.
Protein change: p.Arg50Gly; replaces arginine 50 with glycine.
Molecular consequence: missense variant.
Genome position (GRCh38, 1-based): chr16:23,186,419, C>G. VCF-style: chr16-23186419-C-G. GRCh37 (hg19) VCF-style: chr16-23197740-C-G.
Other names: short protein forms R50G.
Identifiers: ClinVar variation 4742318 (VCV004742318.1).
Genomic context (GRCh38, chr16:23,186,419, plus strand): 5'-CGGTGGTACTGCCTCAACACCAACACCCATGGCTGTCGCCGCATCGTGGTGTCCCGCGGC[C>G]GTCTGCGCCGCCTCCTCTGGATCGGGTTCACACTGACTGCCGTGGCCCTCATCCTCTGGC-3'
Protein context (NP_001030.2, residues 40-60): GCRRIVVSRG[Arg50Gly]LRRLLWIGFT

ClinVar aggregate classification (germline): Uncertain significance (1 of 4 stars; one submission).

gnomAD v4.1: 2 of 1,614,244 alleles (0.00012%); highest among the groups gnomAD compares: Non-Finnish European, 0.00017%; no homozygotes.

Submission:

Labcorp Genetics (formerly Invitae), Labcorp
Classification: Uncertain significance. Last evaluated: 2025-04-19. Review status: criteria provided, single submitter. Criteria: Invitae Variant Classification Sherloc (09022015). Collection method: clinical testing. Allele origin: germline.
Comment: This sequence change replaces arginine, which is basic and polar, with glycine, which is neutral and non-polar, at codon 50 of the SCNN1G protein (p.Arg50Gly). This variant is not present in population databases (gnomAD no frequency). This variant has not been reported in the literature in individuals affected with SCNN1G-related conditions. Invitae Evidence Modeling of protein sequence and biophysical properties (such as structural, functional, and spatial information, amino acid conservation, physicochemical variation, residue mobility, and thermodynamic stability) indicates that this missense variant is not expected to disrupt SCNN1G protein function with a negative predictive value of 80%. In summary, the available evidence is currently insufficient to determine the role of this variant in disease. Therefore, it has been classified as a Variant of Uncertain Significance.